The following is an entry in ClinVar:

ClinVar aggregate classification (germline): Uncertain significance (1 of 4 stars; one submission).

Conditions:
Anemia, nonspherocytic hemolytic, due to G6PD deficiency (CNSHA1). Also called: Hemolytic anemia due to G6PD deficiency; ANEMIA, CONGENITAL, NONSPHEROCYTIC HEMOLYTIC, 1; Class I glucose-6-phosphate dehydrogenase deficiency; Favism, susceptibility to. Identifiers: Orphanet 466026, MedGen C2720289, MONDO:0010480, OMIM 300908.

Allele frequency attached by ClinVar (database versions not stated): gnomAD 0.00002; gnomAD exomes 0.00002; ExAC 0.00005.

Submission:

Labcorp Genetics (formerly Invitae), Labcorp
Classification: Uncertain significance for Anemia, nonspherocytic hemolytic, due to G6PD deficiency. Last evaluated: 2025-12-03. Review status: criteria provided, single submitter. Criteria: Invitae Variant Classification Sherloc (09022015). Collection method: clinical testing. Allele origin: germline.
Comment: This sequence change replaces arginine, which is basic and polar, with histidine, which is basic and polar, at codon 192 of the G6PD protein (p.Arg192His). This variant is present in population databases (rs782583168, gnomAD 0.02%). This variant has not been reported in the literature in individuals affected with G6PD-related conditions. ClinVar contains an entry for this variant (Variation ID: 2142686). An algorithm developed to predict the effect of missense changes on protein structure and function outputs the following: PolyPhen-2: "Benign". The histidine amino acid residue is found in multiple mammalian species, which suggests that this missense change does not adversely affect protein function. In summary, the available evidence is currently insufficient to determine the role of this variant in disease. Therefore, it has been classified as a Variant of Uncertain Significance.

NM_001360016.2(G6PD):c.575G>A (p.Arg192His)

Gene: G6PD (glucose-6-phosphate dehydrogenase; minus strand). Cytogenetic location: Xq28.
Variant type: single nucleotide variant.
Coding change: c.575G>A on transcript NM_001360016.2 (MANE Select); coding-DNA position 575, G replaced by A.
Protein change: p.Arg192His; replaces arginine 192 with histidine.
Molecular consequence: missense variant.
Genome position (GRCh38, 1-based): chrX:154,534,407, C>T on the plus strand (G>A on the coding strand, the complement: G6PD is on the minus strand). VCF-style: chrX-154534407-C-T. GRCh37 (hg19) VCF-style: chrX-153762622-C-T.
Other names: c.665G>A, p.Arg222His (NM_000402.4); c.575G>A, p.Arg192His (NM_001042351.3); short protein forms R192H, R222H.
Identifiers: ClinVar variation 2142686 (VCV002142686.4), dbSNP rs782583168, ClinGen allele CA10566212.
Genomic context (GRCh38, chrX:154,534,407, plus strand): 5'-ATGAGGTTCTGCACCATCTCCTTGCCCAGGTAGTGGTCGATGCGGTAGATCTGGTCCTCA[C>T]GGAACAGGGAGGAGATGTGGTTGGACAGCCGGTCAGAGCTCTGCAGGTCCCTCCCGAAGG-3'
Protein context (NP_001346945.1, residues 182-202): RLSNHISSLF[Arg192His]EDQIYRIDHY